The following is an entry in ClinVar:

ClinVar aggregate classification (germline): Uncertain significance (1 of 4 stars; one submission).

Conditions:
Werner syndrome (WRN). Identifiers: Orphanet 902, MedGen C0043119, MONDO:0010196, OMIM 277700.

Submission:

Labcorp Genetics (formerly Invitae), Labcorp
Classification: Uncertain significance for Werner syndrome. Last evaluated: 2023-03-27. Review status: criteria provided, single submitter. Criteria: Invitae Variant Classification Sherloc (09022015). Collection method: clinical testing. Allele origin: germline.
Comment: In summary, the available evidence is currently insufficient to determine the role of this variant in disease. Therefore, it has been classified as a Variant of Uncertain Significance. An algorithm developed to predict the effect of missense changes on protein structure and function (PolyPhen-2) suggests that this variant is likely to be disruptive. ClinVar contains an entry for this variant (Variation ID: 1922340). This variant has not been reported in the literature in individuals affected with WRN-related conditions. Information on the frequency of this variant in the gnomAD database is not available, as this variant may be reported differently in the database. This sequence change replaces glutamic acid, which is acidic and polar, with isoleucine, which is neutral and non-polar, at codon 846 of the WRN protein (p.Glu846Ile).

NM_000553.6(WRN):c.2536_2537delinsAT (p.Glu846Ile)

Gene: WRN (WRN RecQ like helicase; plus strand). Cytogenetic location: 8p12.
Variant type: Indel.
Coding change: c.2536_2537delinsAT on transcript NM_000553.6 (MANE Select); coding-DNA positions 2536 to 2537, GA replaced by AT.
Protein change: p.Glu846Ile; replaces glutamic acid 846 with isoleucine.
Molecular consequence: missense variant.
Genome position (GRCh38, 1-based): chr8:31,120,330-31,120,331, GA replaced by AT. VCF-style: chr8-31120330-GA-AT. GRCh37 (hg19) VCF-style: chr8-30977846-GA-AT.
Other names: short protein forms E846I.
Identifiers: ClinVar variation 1922340 (VCV001922340.5), dbSNP rs2535986604, ClinGen allele CA2580078150.